The following is an entry in ClinVar:

ClinVar aggregate classification (germline): Uncertain significance (1 of 4 stars; one submission).

Conditions:
Pitt-Hopkins-like syndrome 2 (PTHSL2). Identifiers: Orphanet 221150, Orphanet 600663, MedGen C3280479, MONDO:0013690, OMIM 614325.

Submission:

Labcorp Genetics (formerly Invitae), Labcorp
Classification: Uncertain significance for Pitt-Hopkins-like syndrome 2. Last evaluated: 2025-07-28. Review status: criteria provided, single submitter. Criteria: Invitae Variant Classification Sherloc (09022015). Collection method: clinical testing. Allele origin: germline.
Comment: This sequence change replaces glycine, which is neutral and non-polar, with serine, which is neutral and polar, at codon 225 of the NRXN1 protein (p.Gly225Ser). This variant is not present in population databases (gnomAD no frequency). This variant has not been reported in the literature in individuals affected with NRXN1-related conditions. ClinVar contains an entry for this variant (Variation ID: 2848848). An algorithm developed to predict the effect of missense changes on protein structure and function (PolyPhen-2) suggests that this variant is likely to be tolerated. In summary, the available evidence is currently insufficient to determine the role of this variant in disease. Therefore, it has been classified as a Variant of Uncertain Significance.

NM_001330078.2(NRXN1):c.673G>A (p.Gly225Ser)

Gene: NRXN1 (neurexin 1; minus strand). Cytogenetic location: 2p16.3.
Variant type: single nucleotide variant.
Coding change: c.673G>A on transcript NM_001330078.2 (MANE Select); coding-DNA position 673, G replaced by A.
Protein change: p.Gly225Ser; replaces glycine 225 with serine.
Molecular consequence: missense variant.
Genome position (GRCh38, 1-based): chr2:51,027,601, C>T on the plus strand (G>A on the coding strand, the complement: NRXN1 is on the minus strand). VCF-style: chr2-51027601-C-T. GRCh37 (hg19) VCF-style: chr2-51254739-C-T.
Other names: c.673G>A, p.Gly225Ser (NM_001135659.3, NM_001330077.2, NM_001330079.2 and 15 more transcripts); short protein forms G225S.
Identifiers: ClinVar variation 2848848 (VCV002848848.3), dbSNP rs2468070454, ClinGen allele CA346823523.